The following is an entry in ClinVar:

ClinVar aggregate classification (germline): Conflicting classifications of pathogenicity. Review status: criteria provided, conflicting classifications (1 of 4 stars). 28 submissions from 26 submitters: Uncertain significance (1); Benign (16); Likely benign (5). 6 of the submissions do not count toward it. Last evaluated 2026-09-01.

Conditions:
Hypertrophic cardiomyopathy. Also called: HYPERTROPHIC MYOCARDIOPATHY. Identifiers: Orphanet 217569, MedGen C0007194, MeSH D002312, MONDO:0005045, HP:0001639.
Cardiomyopathy (CMYO). Also called: Cardiomyopathies. Identifiers: Orphanet 167848, MedGen C0878544, MONDO:0004994, HP:0001638. Inheritance: Various modes of inheritance.
Long QT syndrome (LQTS). Identifiers: MedGen C0023976, MeSH D008133, MONDO:0002442. Disease mechanism: loss of function. Inheritance: Various modes of inheritance.
Cardiovascular phenotype. Identifiers: MedGen CN230736.
Arrhythmogenic cardiomyopathy with wooly hair and keratoderma. Also called: Carvajal syndrome; Dilated cardiomyopathy with woolly hair and keratoderma; Arrhythmogenic cardiomyopathy with woolly hair and keratoderma; PALMOPLANTAR KERATODERMA WITH LEFT VENTRICULAR CARDIOMYOPATHY AND WOOLLY HAIR. Identifiers: Orphanet 65282, MedGen C1854063, MONDO:0011581, OMIM 605676.
Arrhythmogenic right ventricular dysplasia 8 (ARVD8). Also called: Arrhythmogenic Right Ventricular Dysplasia/Cardiomyopathy 8; ARRHYTHMOGENIC RIGHT VENTRICULAR DYSPLASIA, FAMILIAL, 8; ARRHYTHMOGENIC RIGHT VENTRICULAR CARDIOMYOPATHY 8. Identifiers: MedGen C1843896, MONDO:0011831, OMIM 607450.
Arrhythmogenic right ventricular cardiomyopathy (ARVD). Also called: Arrhythmogenic Right Ventricular Cardiomyopathy (ARVC); Cardiomyopathy, ARVC; Arrhythmogenic right ventricular dysplasia; Arrhythmogenic cardiomyopathy. Identifiers: Orphanet 247, MedGen C0349788, MeSH D019571, MONDO:0016587. Disease mechanism: loss of function. Inheritance: Various modes of inheritance.
Woolly hair-skin fragility syndrome (WHSF). Identifiers: Orphanet 293165, MedGen C1843292, MONDO:0957307, OMIM 620415.
Lethal acantholytic epidermolysis bullosa (EBLA). Identifiers: Orphanet 158687, MedGen C1864826, MONDO:0012323, OMIM 609638.
Hypertrophic cardiomyopathy 2. Also called: TNNT2-Related Familial Hypertrophic Cardiomyopathy. Identifiers: MedGen C1861864, MONDO:0007266, OMIM 115195.
Cardiomyopathy, dilated, with wooly hair, keratoderma, and tooth agenesis. Also called: Cardiomyopathy, dilated, with woolly hair, keratoderma, and tooth agenesis; Erythrokeratodermia-cardiomyopathy syndrome. Identifiers: Orphanet 476096, Orphanet 65282, MedGen C4014393, MONDO:0014355, OMIM 615821.
Keratosis palmoplantaris striata 2. Also called: KERATODERMA, PALMOPLANTAR, STRIATE FORM II; STRIATE PALMOPLANTAR KERATODERMA II; Keratosis palmoplantaris striata II. Identifiers: MedGen C1852127, MONDO:0013034, OMIM 612908.

Allele frequency attached by ClinVar (database versions not stated): 1000 Genomes Project 30x 0.00312; gnomAD 0.00908 and 0.00879; 1000 Genomes Project 0.00399; TOPMed 0.00707; ESP Exome Variant Server 0.00930.

Submissions 1 to 19 of 28:

CeGaT Center for Human Genetics Tuebingen
Classification: Benign. Last evaluated: 2026-09-01. Review status: criteria provided, single submitter. Criteria: CeGaT Center For Human Genetics Tuebingen Variant Classification Criteria Version 2. Collection method: clinical testing. Allele origin: germline. Affected: yes. Observed: 74 variant alleles.
Comment: DSP: BP4, BS1, BS2

Labcorp Genetics (formerly Invitae), Labcorp
Classification: Benign for Arrhythmogenic cardiomyopathy with wooly hair and keratoderma; Arrhythmogenic right ventricular dysplasia 8. Last evaluated: 2026-02-03. Review status: criteria provided, single submitter. Criteria: Invitae Variant Classification Sherloc (09022015). Collection method: clinical testing. Allele origin: germline.

ARUP Laboratories, Molecular Genetics and Genomics, ARUP Laboratories
Classification: Benign. Last evaluated: 2025-04-23. Review status: criteria provided, single submitter. Criteria: ARUP Molecular Germline Variant Investigation Process 2024. Collection method: clinical testing. Allele origin: germline.

Molecular Diagnostic Laboratory for Inherited Cardiovascular Disease, Montreal Heart Institute
Classification: Likely benign. Last evaluated: 2025-02-17. Review status: criteria provided, single submitter. Criteria: ACMG Guidelines, 2015. Collection method: clinical testing. Allele origin: germline. Affected: no.

Blueprint Genetics
Classification: Likely benign. Last evaluated: 2024-11-25. Review status: criteria provided, single submitter. Criteria: ACMG Guidelines, 2015. Collection method: clinical testing. Allele origin: germline.

Fulgent Genetics
Classification: Benign for Arrhythmogenic cardiomyopathy with wooly hair and keratoderma; Arrhythmogenic right ventricular dysplasia 8; Lethal acantholytic epidermolysis bullosa; Keratosis palmoplantaris striata 2; Cardiomyopathy, dilated, with wooly hair, keratoderma, and tooth agenesis. Last evaluated: 2021-09-28. Review status: criteria provided, single submitter. Criteria: ACMG Guidelines, 2015. Collection method: clinical testing. Allele origin: unknown.

Illumina Laboratory Services, Illumina
Classification: Likely benign for Arrhythmogenic cardiomyopathy with wooly hair and keratoderma. Last evaluated: 2018-04-05. Review status: criteria provided, single submitter. Criteria: ICSL Variant Classification Criteria 13 December 2019. Collection method: clinical testing. Allele origin: germline.
Comment: This variant was observed as part of a predisposition screen in an ostensibly healthy population. A literature search was performed for the gene, cDNA change, and amino acid change (where applicable). No publications were found based on this search. Allele frequency data from public databases allowed determination this variant is unlikely to cause disease. Therefore, this variant is classified as likely benign.

Illumina Laboratory Services, Illumina
Classification: Likely benign for Lethal acantholytic epidermolysis bullosa. Last evaluated: 2018-04-05. Review status: criteria provided, single submitter. Criteria: ICSL Variant Classification Criteria 13 December 2019. Collection method: clinical testing. Allele origin: germline.
Comment: the same text as in the submission from Illumina Laboratory Services, Illumina above.

Illumina Laboratory Services, Illumina
Classification: Likely benign for Arrhythmogenic right ventricular dysplasia 8. Last evaluated: 2018-04-05. Review status: criteria provided, single submitter. Criteria: ICSL Variant Classification Criteria 13 December 2019. Collection method: clinical testing. Allele origin: germline.
Comment: This variant was observed as part of a predisposition screen in an ostensibly healthy population. A literature search was performed for the gene, cDNA change, and amino acid change (where applicable). Publications were found based on this search. The evidence from the literature, in combination with allele frequency data from public databases where available, was sufficient to determine this variant is unlikely to cause disease. Therefore, this variant is classified as likely benign.

Color Diagnostics, LLC DBA Color Health
Classification: Benign for Cardiomyopathy. Last evaluated: 2018-03-15. Review status: criteria provided, single submitter. Criteria: ACMG Guidelines, 2015. Collection method: clinical testing. Allele origin: germline.

Center for Advanced Laboratory Medicine, UC San Diego Health, University of California San Diego
Classification: Benign for Long QT Syndrome; Hypertrophic cardiomyopathy; Cardiomyopathy. Last evaluated: 2017-10-25. Review status: criteria provided, single submitter. Criteria: ACMG Guidelines, 2015. Collection method: clinical testing. Allele origin: germline. Affected: yes. Observed: 3 variant alleles.

CHEO Genetics Diagnostic Laboratory, Children's Hospital of Eastern Ontario
Classification: Benign for Cardiomyopathy. Last evaluated: 2017-08-23. Review status: criteria provided, single submitter. Criteria: ACMG Guidelines, 2015. Collection method: clinical testing. Allele origin: germline. Study: Canadian Open Genetics Repository.

Mayo Clinic Laboratories, Mayo Clinic
Classification: Benign. Last evaluated: 2016-12-13. Review status: criteria provided, single submitter. Criteria: ACMG Guidelines, 2015. Collection method: clinical testing. Allele origin: germline. Observed: 31 variant alleles.

Eurofins Ntd Llc (ga)
Classification: Benign. Last evaluated: 2016-12-09. Review status: criteria provided, single submitter. Criteria: EGL Classification Definitions 2015. Collection method: clinical testing. Allele origin: germline. Observed: 1 variant allele, 1 heterozygote.

Women's Health and Genetics/Laboratory Corporation of America, LabCorp
Classification: Benign. Last evaluated: 2016-01-13. Review status: criteria provided, single submitter. Criteria: LabCorp Variant Classification Summary - May 2015. Collection method: clinical testing. Allele origin: germline.

Genomic Diagnostic Laboratory, Division of Genomic Diagnostics, Children's Hospital of Philadelphia
Classification: Benign for Arrhythmogenic right ventricular cardiomyopathy. Last evaluated: 2015-07-29. Review status: criteria provided, single submitter. Criteria: DGD Variant Analysis Guidelines. Collection method: clinical testing. Allele origin: unknown.

Ambry Genetics
Classification: Benign for Cardiovascular phenotype. Last evaluated: 2015-06-18. Review status: criteria provided, single submitter. Criteria: Ambry Variant Classification Scheme 2023. Collection method: clinical testing. Allele origin: germline.

Biesecker Lab/Clinical Genomics Section, National Institutes of Health
Classification: Benign. Last evaluated: 2013-06-24. Review status: criteria provided, single submitter. Criteria: Ng et al. (Circ Cardiovasc Genet. 2013). Collection method: research. Allele origin: unknown. Observed: 12 variant alleles. Study: ClinSeq.
Comment: The study set was not selected for affection status in relation to any cancer. Pathogenicity categories were based on literature curation. See Pubmed ID:23861362 for details.

Medical sequencing

GeneDx
Classification: Benign. Last evaluated: 2013-06-08. Review status: criteria provided, single submitter. Criteria: GeneDx Variant Classification (06012015). Collection method: clinical testing. Allele origin: germline. Affected: yes.
Comment: This variant is considered likely benign or benign based on one or more of the following criteria: it is a conservative change, it occurs at a poorly conserved position in the protein, it is predicted to be benign by multiple in silico algorithms, and/or has population frequency not consistent with disease.

NM_004415.4(DSP):c.5498A>T (p.Glu1833Val)

Gene: DSP (desmoplakin; plus strand). Cytogenetic location: 6p24.3.
Variant type: single nucleotide variant.
Coding change: c.5498A>T on transcript NM_004415.4 (MANE Select); coding-DNA position 5498, A replaced by T.
Protein change: p.Glu1833Val; replaces glutamic acid 1833 with valine.
Molecular consequence: missense variant.
Genome position (GRCh38, 1-based): chr6:7,582,760, A>T. VCF-style: chr6-7582760-A-T. GRCh37 (hg19) VCF-style: chr6-7582993-A-T.
Other names: p.E1833V:GAG>GTG; c.3701A>T, p.Glu1234Val (NM_001008844.3); c.4169A>T, p.Glu1390Val (NM_001319034.2); short protein forms E1833V, E1390V, E1234V.
Identifiers: ClinVar variation 44929 (VCV000044929.91), dbSNP rs78652302, ClinGen allele CA006474.